The following is an entry in ClinVar:

NM_032638.5(GATA2):c.656del (p.Glu219fs)

Gene: GATA2 (GATA binding protein 2; minus strand). Cytogenetic location: 3q21.3.
Variant type: Deletion.
Coding change: c.656del on transcript NM_032638.5 (MANE Select); coding-DNA position 656, one base deleted (A; older notation c.656delA).
Protein change: p.Glu219fs; shifts the reading frame from glutamic acid 219.
Molecular consequence: frameshift variant.
Genome position (GRCh38, 1-based): chr3:128,485,942, T deleted on the plus strand (A on the coding strand, the reverse complement: GATA2 is on the minus strand). VCF-style (leftmost placement, unchanged base first): chr3-128485941-CT-C. GRCh37 (hg19) VCF-style: chr3-128204784-CT-C.
Other names: c.656del, p.Glu219fs (NM_001145661.2, NM_001145662.1); c.656delA, p.Glu219Glyfs (NM_032638.4); short protein forms E219fs.
Identifiers: ClinVar variation 4082442 (VCV004082442.2).

ClinVar aggregate classification (germline): Likely pathogenic (1 of 4 stars; one submission).

Submission:

Genetic Services Laboratory, University of Chicago
Classification: Likely pathogenic. Last evaluated: 2024-03-27. Review status: criteria provided, single submitter. Criteria: ACMG Guidelines, 2015. Collection method: clinical testing. Allele origin: germline. Affected: yes.
Comment: DNA sequence analysis of the GATA2 gene demonstrated a one base pair deletion in exon 3, c.656del. This pathogenic sequence change results in an amino acid frameshift and creates a premature stop codon 3 amino acids downstream of the change, p.Glu219Glyfs*3. This pathogenic sequence change is predicted to result in an abnormal transcript, which may be degraded, or may lead to the production of a truncated GATA2 protein with potentially abnormal function. While this deletion has not previously been described in the literature, other truncating variants in the GATA2 gene have been described in several individuals with GATA2-related disorders (PMID: 21670465, 23223431) and loss of function is a known mechanism of disease. The c.656del sequence change has not been described in population databases such as ExAC and gnomAD. Collectively, this evidence indicates that this sequence change is likely pathogenic, however functional studies have not been performed to prove this conclusively.